The following is an entry in ClinVar:

NM_014140.4(SMARCAL1):c.1921dup (p.Val641fs)

Gene: SMARCAL1 (SNF2 related chromatin remodeling annealing helicase 1; plus strand). Cytogenetic location: 2q35.
Variant type: Duplication.
Coding change: c.1921dup on transcript NM_014140.4 (MANE Select); coding-DNA position 1921, one base duplicated (G; older notation c.1921dupG).
Protein change: p.Val641fs; shifts the reading frame from valine 641.
Molecular consequence: frameshift variant.
Genome position (GRCh38, 1-based): chr2:216,450,915, G duplicated. VCF-style (leftmost placement, unchanged base first): chr2-216450914-A-AG. GRCh37 (hg19) VCF-style: chr2-217315637-A-AG.
Other names: c.1921dupG (NM_014140.3); c.1921dup, p.Val641fs (NM_001127207.2); short protein forms V641fs.
Identifiers: ClinVar variation 1458389 (VCV001458389.9), dbSNP rs1694436267, ClinGen allele CA1327836905.

ClinVar aggregate classification (germline): Pathogenic. Review status: criteria provided, multiple submitters, no conflicts (2 of 4 stars). 3 submissions from 3 submitters: Pathogenic (3). Last evaluated 2025-04-07.

Conditions:
Schimke immuno-osseous dysplasia (SIOD). Also called: Schimke Immunoosseous Dysplasia. Identifiers: Orphanet 1830, MedGen C0877024, MONDO:0009458, OMIM 242900.

Allele frequency attached by ClinVar (database versions not stated): TOPMed below 0.00001.

Submissions (3):

Natera, Inc.
Classification: Pathogenic for Schimke immuno-osseous dysplasia. Last evaluated: 2025-04-07. Review status: criteria provided, single submitter. Criteria: Natera Variant Classification Schema (03/2026). Collection method: clinical testing. Allele origin: germline.
Comment: The c.1921dupG variant in SMARCAL1 is a frameshift variant predicted to shift the reading frame beginning at codon 641 and leads to a stop codon 51 codons downstream. This variant is expected to result in nonsense mediated decay, truncation, or a dysfunctional protein product. This variant is rare in the general population with a frequency below the threshold expected for the associated phenotype(s). This variant has been observed in one or more individuals affected with the associated recessive disease, as either homozygous or compound heterozygous with a second variant (PMID: 22998683). Given the available evidence, this variant is classified as Pathogenic.

Fulgent Genetics
Classification: Pathogenic for Schimke immuno-osseous dysplasia. Last evaluated: 2024-05-30. Review status: criteria provided, single submitter. Criteria: ACMG Guidelines, 2015. Collection method: clinical testing. Allele origin: germline.

Labcorp Genetics (formerly Invitae), Labcorp
Classification: Pathogenic for Schimke immuno-osseous dysplasia. Last evaluated: 2023-04-17. Review status: criteria provided, single submitter. Criteria: Invitae Variant Classification Sherloc (09022015). Collection method: clinical testing. Allele origin: germline.
Comment: This variant is also known as 641fsX50. This sequence change creates a premature translational stop signal (p.Val641Glyfs*51) in the SMARCAL1 gene. It is expected to result in an absent or disrupted protein product. Loss-of-function variants in SMARCAL1 are known to be pathogenic (PMID: 11799392, 20301550). This variant is not present in population databases (gnomAD no frequency). This premature translational stop signal has been observed in individual(s) with Schimke immunoosseous dysplasia (PMID: 11799392). In at least one individual the data is consistent with being in trans (on the opposite chromosome) from a pathogenic variant. ClinVar contains an entry for this variant (Variation ID: 1458389). For these reasons, this variant has been classified as Pathogenic.

Literature cited by the submitters: PubMed 22998683 (cited by Natera, Inc.); PubMed 11799392 (cited by Labcorp Genetics (formerly Invitae), Labcorp); PubMed 20301550 (cited by Labcorp Genetics (formerly Invitae), Labcorp).